The following is an entry in ClinVar:

NM_003791.4(MBTPS1):c.963+2T>A

Genes: MBTPS1 (membrane bound transcription factor peptidase, site 1; minus strand), LOC126862423 (CDK7 strongly-dependent group 2 enhancer GRCh37_chr16:84125154-84126353; plus strand). Cytogenetic location: 16q23.3.
Variant type: single nucleotide variant.
Coding change: c.963+2T>A on transcript NM_003791.4 (MANE Select); the canonical splice donor site of the intron after coding-DNA position 963, T replaced by A.
Molecular consequence: splice donor variant.
Genome position (GRCh38, 1-based): chr16:84,091,730, A>T on the plus strand (T>A on the coding strand, the complement: MBTPS1 is on the minus strand). VCF-style: chr16-84091730-A-T. GRCh37 (hg19) VCF-style: chr16-84125335-A-T.
Identifiers: ClinVar variation 4976960 (VCV004976960.1).

ClinVar aggregate classification (germline): Pathogenic (1 of 4 stars; one submission).

Conditions:
Spondyloepiphyseal dysplasia, kondo-fu type. Also called: SED WITH ELEVATED BLOOD LYSOSOMAL ENZYMES; MBTPS1-Related Spondyloepimetaphyseal Dysplasia with Elevated Lysosomal Enzymes. Identifiers: MedGen C5193071, MONDO:0032721, OMIM 618392.

Submission:

Biomedical Genomics and Oncogenetics Laboratory, Institut Pasteur de Tunis, University Tunis El Manar
Classification: Pathogenic for Spondyloepiphyseal dysplasia, kondo-fu type. Last evaluated: 2026-09-11. Review status: criteria provided, single submitter. Criteria: ACMG Guidelines, 2015. Collection method: research. Allele origin: germline. Inheritance: Autosomal recessive inheritance. Affected: yes. Observed: 1 variant allele, 1 homozygote.
Comment: The variant was classified as Pathogenic based on the ACMG/AMP 2015 guidelines by combining the following molecular, functional, and segregation evidence: - PVS1 (Very Strong): The c.963+2T>A variant disrupts the donor splice site (+2) of the gene. Loss-of-function is an established mechanism of disease for MBTPS1-related skeletal dysplasias. RT-qPCR / gene expression analysis performed on patient samples demonstrated a critical loss of mRNA stability, showing only 5% of residual gene expression compared to controls. This confirms that the splice site disruption leads to near-complete transcript degradation. - PM2 (Moderate): This variant is completely absent from the gnomAD control population database, confirming its extreme rarity. - PP3 (Supporting): Multiple in silico splicing prediction tools demonstrate a significant damaging effect, predicting a complete loss of the native splice site. The affected nucleotide is located within a highly conserved genomic region. In conclusion, the clinical correlation, population rarity, direct functional expression data, and familial co-segregation support the classification of the c.963+2T>A variant as pathogenic, confirming the diagnosis of Spondyloepiphyseal dysplasia, Kondo-Fu type in this patient.